The following is an entry in ClinVar:

ClinVar aggregate classification (germline): Uncertain significance (1 of 4 stars; one submission).

Conditions:
TWIST1-related craniosynostosis (CRS1). Also called: CRANIOSYNOSTOSIS 1. Identifiers: Orphanet 63440, MedGen C4551902, MONDO:0007399, OMIM 123100. Inheritance: Heterogenous inheritance pattern.

Submission:

Labcorp Genetics (formerly Invitae), Labcorp
Classification: Uncertain significance for TWIST1-related craniosynostosis. Last evaluated: 2025-10-03. Review status: criteria provided, single submitter. Criteria: Invitae Variant Classification Sherloc (09022015). Collection method: clinical testing. Allele origin: germline.
Comment: This variant, c.1243_1245del, results in the deletion of 1 amino acid(s) of the ERF protein (p.Ala415del), but otherwise preserves the integrity of the reading frame. This variant is present in population databases (rs759202471, gnomAD 0.06%). This variant has not been reported in the literature in individuals affected with ERF-related conditions. ClinVar contains an entry for this variant (Variation ID: 543069). Experimental studies and prediction algorithms are not available or were not evaluated, and the functional significance of this variant is currently unknown. In summary, the available evidence is currently insufficient to determine the role of this variant in disease. Therefore, it has been classified as a Variant of Uncertain Significance.

NM_006494.4(ERF):c.1243_1245del (p.Ala415del)

Gene: ERF (ETS2 repressor factor; minus strand). Cytogenetic location: 19q13.2.
Variant type: Deletion.
Coding change: c.1243_1245del on transcript NM_006494.4 (MANE Select); coding-DNA positions 1243 to 1245, 3 bases deleted (GCG; older notation c.1243_1245delGCG).
Protein change: p.Ala415del; deletes alanine 415.
Molecular consequence: inframe deletion.
Genome position (GRCh38, 1-based): chr19:42,248,867-42,248,869, CGC deleted on the plus strand (GCG on the coding strand, the reverse complement: ERF is on the minus strand); deleting any 3 consecutive bases within chr19:42,248,867-42,248,870 gives the same sequence; the c. name uses the placement nearest the transcript's 3' end. VCF-style (leftmost placement, unchanged base first): chr19-42248866-GCGC-G. GRCh37 (hg19) VCF-style: chr19-42753018-GCGC-G.
Other names: c.1018_1020del, p.Ala340del (NM_001301035.2, NM_001308402.2, NM_001312656.2); short protein forms A415del, A340del.
Identifiers: ClinVar variation 543069 (VCV000543069.4), dbSNP rs759202471, ClinGen allele CA9471214.